The following is an entry in ClinVar:

ClinVar aggregate classification (germline): Uncertain significance. Review status: criteria provided, multiple submitters, no conflicts (2 of 4 stars). 2 submissions from 2 submitters: Uncertain significance (2). Last evaluated 2024-02-23.

Conditions:
Usher syndrome type 3B. Also called: USHER SYNDROME, TYPE IIIB. Identifiers: MedGen C3281066, MONDO:0013788, OMIM 614504.

Submissions (2):

Labcorp Genetics (formerly Invitae), Labcorp
Classification: Uncertain significance for Usher syndrome type 3B. Last evaluated: 2024-02-23. Review status: criteria provided, single submitter. Criteria: Invitae Variant Classification Sherloc (09022015). Collection method: clinical testing. Allele origin: germline.
Comment: This sequence change replaces leucine, which is neutral and non-polar, with valine, which is neutral and non-polar, at codon 412 of the HARS protein (p.Leu412Val). This variant is not present in population databases (gnomAD no frequency). This variant has not been reported in the literature in individuals affected with HARS-related conditions. Advanced modeling of protein sequence and biophysical properties (such as structural, functional, and spatial information, amino acid conservation, physicochemical variation, residue mobility, and thermodynamic stability) performed at Invitae indicates that this missense variant is not expected to disrupt HARS protein function with a negative predictive value of 80%. In summary, the available evidence is currently insufficient to determine the role of this variant in disease. Therefore, it has been classified as a Variant of Uncertain Significance.

Blueprint Genetics
Classification: Uncertain significance. Last evaluated: 2021-04-24. Review status: criteria provided, single submitter. Criteria: ACMG Guidelines, 2015. Collection method: clinical testing. Allele origin: germline.

NM_002109.6(HARS1):c.1234C>G (p.Leu412Val)

Gene: HARS1 (histidyl-tRNA synthetase 1; minus strand). Cytogenetic location: 5q31.3.
Variant type: single nucleotide variant.
Coding change: c.1234C>G on transcript NM_002109.6 (MANE Select); coding-DNA position 1234, C replaced by G.
Protein change: p.Leu412Val; replaces leucine 412 with valine.
Molecular consequence: missense variant.
Genome position (GRCh38, 1-based): chr5:140,675,094, G>C on the plus strand (C>G on the coding strand, the complement: HARS1 is on the minus strand). VCF-style: chr5-140675094-G-C. GRCh37 (hg19) VCF-style: chr5-140054679-G-C.
Other names: c.1114C>G, p.Leu372Val (NM_001258040.3); c.1174C>G, p.Leu392Val (NM_001258041.3); c.1054C>G, p.Leu352Val (NM_001258042.3); c.1012C>G, p.Leu338Val (NM_001289092.2); c.892C>G, p.Leu298Val (NM_001289093.2); c.1147C>G, p.Leu383Val (NM_001289094.2); short protein forms L298V, L383V, L372V, L412V, L352V, L338V, L392V.
Identifiers: ClinVar variation 3690699 (VCV003690699.3).